The following is an entry in ClinVar:

NM_199242.3(UNC13D):c.3192C>A (p.Asp1064Glu)

Gene: UNC13D (unc-13 homolog D; minus strand). Cytogenetic location: 17q25.1.
Variant type: single nucleotide variant.
Coding change: c.3192C>A on transcript NM_199242.3 (MANE Select); coding-DNA position 3192, C replaced by A.
Protein change: p.Asp1064Glu; replaces aspartic acid 1064 with glutamic acid.
Molecular consequence: missense variant.
Genome position (GRCh38, 1-based): chr17:75,828,046, G>T on the plus strand (C>A on the coding strand, the complement: UNC13D is on the minus strand). VCF-style: chr17-75828046-G-T. GRCh37 (hg19) VCF-style: chr17-73824127-G-T.
Other names: short protein forms D1064E.
Identifiers: ClinVar variation 2134587 (VCV002134587.4), dbSNP rs2545974348, ClinGen allele CA401073750.
Genomic context (GRCh38, chr17:75,828,046, plus strand): 5'-ATGCTGGGAGGCCTGCTTGGCCCGGTGCCGCCGCAGCCTCACAAAGACCTGGGCTTCTCG[G>T]TCACCCTTCCGGCCCTCCAGCAGCTGCAGGATTGGGTCCCCTGCGGAGAGAGGGGTTTGG-3'
Protein context (NP_954712.1, residues 1054-1074): ILQLLEGRKG[Asp1064Glu]REAQVFVRLR

ClinVar aggregate classification (germline): Uncertain significance (1 of 4 stars; one submission).

Conditions:
Familial hemophagocytic lymphohistiocytosis 3 (FHL3). Also called: UNC13D-Related Familial Hemophagocytic Lymphohistiocytosis (UNC13D-fHLH). Identifiers: Orphanet 540, MedGen C1837174, MONDO:0012146, OMIM 608898.

Submission:

Labcorp Genetics (formerly Invitae), Labcorp
Classification: Uncertain significance for Familial hemophagocytic lymphohistiocytosis 3. Last evaluated: 2023-06-08. Review status: criteria provided, single submitter. Criteria: Invitae Variant Classification Sherloc (09022015). Collection method: clinical testing. Allele origin: germline.
Comment: ClinVar contains an entry for this variant (Variation ID: 2134587). This variant has not been reported in the literature in individuals affected with UNC13D-related conditions. This variant is not present in population databases (gnomAD no frequency). This sequence change replaces aspartic acid, which is acidic and polar, with glutamic acid, which is acidic and polar, at codon 1064 of the UNC13D protein (p.Asp1064Glu). Advanced modeling of protein sequence and biophysical properties (such as structural, functional, and spatial information, amino acid conservation, physicochemical variation, residue mobility, and thermodynamic stability) performed at Invitae indicates that this missense variant is not expected to disrupt UNC13D protein function. In summary, the available evidence is currently insufficient to determine the role of this variant in disease. Therefore, it has been classified as a Variant of Uncertain Significance.